The following is an entry in ClinVar:

ClinVar aggregate classification (germline): Uncertain significance (1 of 4 stars; one submission).

Conditions:
Familial thoracic aortic aneurysm and aortic dissection (TAAD). Also called: Thoracic aortic aneurysms and dissections. Identifiers: Orphanet 91387, MedGen C4707243, MONDO:0019625.
Hereditary cancer-predisposing syndrome. Also called: Tumor predisposition; Neoplastic Syndromes, Hereditary; Hereditary neoplastic syndrome; Hereditary Cancer Syndrome. Identifiers: Orphanet 140162, MedGen C0027672, MeSH D009386, MONDO:0015356.

Submission:

Ambry Genetics
Classification: Uncertain significance for Hereditary cancer-predisposing syndrome; Familial thoracic aortic aneurysm and aortic dissection. Last evaluated: 2024-07-24. Review status: criteria provided, single submitter. Criteria: Ambry Variant Classification Scheme 2023. Collection method: clinical testing. Allele origin: germline.
Comment: The p.A452S variant (also known as c.1354G>T), located in coding exon 10 of the SMAD4 gene, results from a G to T substitution at nucleotide position 1354. The alanine at codon 452 is replaced by serine, an amino acid with similar properties. This amino acid position is conserved. In addition, the in silico prediction for this alteration is inconclusive. Based on the available evidence, the clinical significance of this variant remains unclear.

NM_005359.6(SMAD4):c.1354G>T (p.Ala452Ser)

Gene: SMAD4 (SMAD family member 4; plus strand). Cytogenetic location: 18q21.2.
Variant type: single nucleotide variant.
Coding change: c.1354G>T on transcript NM_005359.6 (MANE Select); coding-DNA position 1354, G replaced by T.
Protein change: p.Ala452Ser; replaces alanine 452 with serine.
Molecular consequence: missense variant. On other transcripts: non-coding transcript variant (1).
Genome position (GRCh38, 1-based): chr18:51,076,683, G>T. VCF-style: chr18-51076683-G-T. GRCh37 (hg19) VCF-style: chr18-48603053-G-T.
Other names: c.1354G>T, p.Ala452Ser (NM_001407041.1, NM_001407042.1); short protein forms A452S.
Identifiers: ClinVar variation 3445844 (VCV003445844.1).